The following is an entry in ClinVar:

ClinVar aggregate classification (germline): Benign/Likely benign. Review status: criteria provided, multiple submitters, no conflicts (2 of 4 stars). 6 submissions from 6 submitters: Benign (4); Likely benign (2). Last evaluated 2026-02-03.

Conditions:
Transcobalamin II deficiency (TCN2D). Also called: TC II DEFICIENCY; TCN2 DEFICIENCY; Transcolabamin II deficiency. Identifiers: Orphanet 859, MedGen C0342701, MONDO:0010149, OMIM 275350.

Allele frequency attached by ClinVar (database versions not stated): 1000 Genomes Project 0.00819; 1000 Genomes Project 30x 0.00859; TOPMed 0.01200; gnomAD 0.01278 and 0.01306; gnomAD exomes 0.01329; ExAC 0.01397; ESP Exome Variant Server 0.01407.
gnomAD v4.1: 26,451 of 1,614,048 alleles (1.6%); highest among the groups gnomAD compares: Non-Finnish European, 1.9%; 276 homozygotes.

Submissions (6):

Labcorp Genetics (formerly Invitae), Labcorp
Classification: Benign for Transcobalamin II deficiency. Last evaluated: 2026-02-03. Review status: criteria provided, single submitter. Criteria: Invitae Variant Classification Sherloc (09022015). Collection method: clinical testing. Allele origin: germline.

Blueprint Genetics
Classification: Likely benign. Last evaluated: 2024-11-28. Review status: criteria provided, single submitter. Criteria: ACMG Guidelines, 2015. Collection method: clinical testing. Allele origin: germline.

Mayo Clinic Laboratories, Mayo Clinic
Classification: Benign. Last evaluated: 2024-04-12. Review status: criteria provided, single submitter. Criteria: ACMG Guidelines, 2015. Collection method: clinical testing. Allele origin: germline. Observed: 2 variant alleles.
Comment: BA1, BS2, BP4, BP7

ARUP Laboratories, Molecular Genetics and Genomics, ARUP Laboratories
Classification: Benign for Transcobalamin II deficiency. Last evaluated: 2023-11-29. Review status: criteria provided, single submitter. Criteria: ARUP Molecular Germline Variant Investigation Process 2024. Collection method: clinical testing. Allele origin: germline.

GeneDx
Classification: Likely benign. Last evaluated: 2021-05-20. Review status: criteria provided, single submitter. Criteria: GeneDx Variant Classification Process June 2021. Collection method: clinical testing. Allele origin: germline. Affected: yes.
Comment: See Variant Classification Assertion Criteria.

Breakthrough Genomics
Classification: Benign. Review status: criteria provided, single submitter. Criteria: ACMG Guidelines, 2015. Collection method: not provided. Allele origin: germline. Inheritance: Autosomal recessive inheritance. Affected: yes.

NM_000355.4(TCN2):c.65-17C>T

Gene: TCN2 (transcobalamin 2; plus strand). Cytogenetic location: 22q12.2.
Variant type: single nucleotide variant.
Coding change: c.65-17C>T on transcript NM_000355.4 (MANE Select); 17 bases into the intron before coding-DNA position 65, C replaced by T.
Molecular consequence: intron variant.
Genome position (GRCh38, 1-based): chr22:30,610,854, C>T. VCF-style: chr22-30610854-C-T. GRCh37 (hg19) VCF-style: chr22-31006841-C-T.
Other names: p.?; c.65-17C>T (NM_001184726.2).
Identifiers: ClinVar variation 1170813 (VCV001170813.13), dbSNP rs77763564, ClinGen allele CA10184477.